The following is an entry in ClinVar:

ClinVar aggregate classification (germline): Pathogenic (3 of 4 stars; one submission).

Conditions:
Breast-ovarian cancer, familial, susceptibility to, 2 (BROVCA2). Also called: BRCA2 Hereditary Breast and Ovarian Cancer. Identifiers: Orphanet 145, MedGen C2675520, MONDO:0012933, OMIM 612555. Disease mechanism: loss of function.

Submission:

Evidence-based Network for the Interpretation of Germline Mutant Alleles (ENIGMA)
Classification: Pathogenic for Breast-ovarian cancer, familial, susceptibility to, 2. Last evaluated: 2016-09-08. Review status: reviewed by expert panel. Criteria: ENIGMA BRCA1/2 Classification Criteria (2015). Collection method: curation. Allele origin: germline.
Comment: Variant allele predicted to encode a truncated non-functional protein.

NM_000059.4(BRCA2):c.6008del (p.Ile2003fs)

Gene: BRCA2 (BRCA2 DNA repair associated; plus strand). Cytogenetic location: 13q13.1.
Variant type: Deletion.
Coding change: c.6008del on transcript NM_000059.4 (MANE Select); coding-DNA position 6008, one base deleted (T; older notation c.6008delT).
Protein change: p.Ile2003fs; shifts the reading frame from isoleucine 2003.
Molecular consequence: frameshift variant.
Genome position (GRCh38, 1-based): chr13:32,340,363, T deleted. VCF-style (leftmost placement, unchanged base first): chr13-32340362-AT-A. GRCh37 (hg19) VCF-style: chr13-32914499-AT-A.
Other names: c.6008delT (NM_000059.3); short protein forms I2003fs.
Identifiers: ClinVar variation 254572 (VCV000254572.2), dbSNP rs886038137, ClinGen allele CA10586549.